The following is an entry in ClinVar:

NM_004586.3(RPS6KA3):c.1922G>A (p.Ser641Asn)

Gene: RPS6KA3 (ribosomal protein S6 kinase A3; minus strand). Cytogenetic location: Xp22.12.
Variant type: single nucleotide variant.
Coding change: c.1922G>A on transcript NM_004586.3 (MANE Select); coding-DNA position 1922, G replaced by A.
Protein change: p.Ser641Asn; replaces serine 641 with asparagine.
Molecular consequence: missense variant.
Genome position (GRCh38, 1-based): chrX:20,161,681, C>T on the plus strand (G>A on the coding strand, the complement: RPS6KA3 is on the minus strand). VCF-style: chrX-20161681-C-T. GRCh37 (hg19) VCF-style: chrX-20179799-C-T.
Other names: short protein forms S641N.
Identifiers: ClinVar variation 3354057 (VCV003354057.2).

ClinVar aggregate classification (germline): Uncertain significance. Review status: criteria provided, single submitter (1 of 4 stars). 2 submissions from 2 submitters: Uncertain significance (1). 1 of the submissions does not count toward it.

Conditions:
RPS6KA3-related disorder. Also called: RPS6KA3-related condition.
RP56KA3-related disorder.

gnomAD v4.1: 5 of 1,168,141 alleles (0.00043%); highest among the groups gnomAD compares: Non-Finnish European, 0.00058%; no homozygotes.

Submissions (2):

Daryl Scott Lab, Baylor College of Medicine
Classification: Uncertain significance for RP56KA3-related disorder. Review status: criteria provided, single submitter. Criteria: ACMG Guidelines, 2015. Collection method: clinical testing. Allele origin: maternal. Affected: yes. Observed: 1 hemizygote.
Comment: PM2

PreventionGenetics, part of Exact Sciences
Classification: Uncertain significance for RPS6KA3-related condition. Last evaluated: 2024-03-27. Review status: no assertion criteria provided. Collection method: clinical testing. Allele origin: germline. Not counted in ClinVar's aggregate classification.
Comment: The RPS6KA3 c.1922G>A variant is predicted to result in the amino acid substitution p.Ser641Asn. To our knowledge, this variant has not been reported in the literature. This variant is reported in 0.0093% of alleles in individuals of European (Non-Finnish) descent in gnomAD. At this time, the clinical significance of this variant is uncertain due to the absence of conclusive functional and genetic evidence.